The following is an entry in ClinVar:

ClinVar aggregate classification (germline): Pathogenic/Likely pathogenic. Review status: criteria provided, multiple submitters, no conflicts (2 of 4 stars). 11 submissions from 11 submitters: Pathogenic (3); Likely pathogenic (5). 3 of the submissions do not count toward it. Last evaluated 2025-09-10.

Conditions:
Maple syrup urine disease type 1A (MSUD1A). Also called: MSUD type 1A. Identifiers: MedGen C1855369, MONDO:0023691, OMIM 248600.
Maple syrup urine disease (MSUD). Identifiers: Orphanet 511, MedGen C0024776, MeSH D008375, MONDO:0009563. Disease mechanism: loss of function.

Allele frequency attached by ClinVar (database versions not stated): TOPMed 0.00008; ExAC 0.00009; gnomAD 0.00003; gnomAD exomes 0.00004 and 0.00008; ESP Exome Variant Server 0.00015.
gnomAD v4.1: 73 of 1,613,968 alleles (0.0045%); highest among the groups gnomAD compares: Non-Finnish European, 0.0015%; no homozygotes.

Submissions (11):

Genomic Medicine Center of Excellence, King Faisal Specialist Hospital and Research Centre
Classification: Pathogenic for Maple syrup urine disease type 1A. Last evaluated: 2025-09-10. Review status: criteria provided, single submitter. Criteria: ACMG Guidelines, 2015. Collection method: clinical testing. Allele origin: germline.

Natera, Inc.
Classification: Likely pathogenic for Maple syrup urine disease type 1A. Last evaluated: 2025-06-07. Review status: criteria provided, single submitter. Criteria: Natera Variant Classification Schema (03/2026). Collection method: clinical testing. Allele origin: germline.
Comment: The c.890G>A variant in BCKDHA is a missense variant predicted to cause substitution of arginine to histidine at amino acid 297. This variant is rare in the general population with a frequency below the threshold expected for the associated phenotype(s). This variant has been observed in one or more individuals affected with the associated recessive disease, as either homozygous or compound heterozygous with a second variant (PMID: 39519275, 29306928, 31980395, 10745006). This variant has been identified in one or more affected individuals with a phenotype highly consistent with the associated gene (PMID: 39519275, 29306928, 31980395). Computational prediction algorithms indicate this variant is likely to affect gene or protein function. Given the available evidence, this variant is classified as Likely Pathogenic.

Labcorp Genetics (formerly Invitae), Labcorp
Classification: Pathogenic for Maple syrup urine disease. Last evaluated: 2024-11-18. Review status: criteria provided, single submitter. Criteria: Invitae Variant Classification Sherloc (09022015). Collection method: clinical testing. Allele origin: germline.
Comment: This sequence change replaces arginine, which is basic and polar, with histidine, which is basic and polar, at codon 297 of the BCKDHA protein (p.Arg297His). This variant is present in population databases (rs200137189, gnomAD 0.1%). This missense change has been observed in individuals with maple syrup urine disease (PMID: 10745006, 17922217, 29306928). ClinVar contains an entry for this variant (Variation ID: 93376). Invitae Evidence Modeling of protein sequence and biophysical properties (such as structural, functional, and spatial information, amino acid conservation, physicochemical variation, residue mobility, and thermodynamic stability) indicates that this missense variant is expected to disrupt BCKDHA protein function with a positive predictive value of 95%. This variant disrupts the p.Arg297 amino acid residue in BCKDHA. Other variant(s) that disrupt this residue have been determined to be pathogenic (PMID: 16786533, 28830848). This suggests that this residue is clinically significant, and that variants that disrupt this residue are likely to be disease-causing. For these reasons, this variant has been classified as Pathogenic.

Illumina Laboratory Services, Illumina
Classification: Likely pathogenic for Maple syrup urine disease type 1A. Last evaluated: 2024-03-27. Review status: criteria provided, single submitter. Criteria: ICSLVariantClassificationCriteria RUGD 01 April 2020. Collection method: clinical testing. Allele origin: unknown.
Comment: The BCKDHA c.890G>A p.(Arg297His) missense variant has been identified in at least two individuals with maple syrup urine disease, where the variant was found in a homozygous state (PMID: 29306928; 17922217). This variant is located in a hotspot region with two nearby P/LP variants, [p.(Asp302Ala) and p.(Gly290Arg)] (ClinVar). This variant is not observed at a significant frequency in version 2.1.1 or version 4.0.0 of the Genome Aggregation Database. Multiple lines of computational evidence suggest the variant may impact the gene or gene product. Additionally, a different amino acid substitution at the same codon [p.(Arg297Cys)] has been reported in individuals with maple syrup urine disease (PMID: 28830848; 16786533; ClinVar). Based on the available evidence, the c.890G>A p.(Arg297His) variant is classified as likely pathogenic for maple syrup urine disease.

Fulgent Genetics
Classification: Likely pathogenic for Maple syrup urine disease type 1A. Last evaluated: 2024-03-14. Review status: criteria provided, single submitter. Criteria: ACMG Guidelines, 2015. Collection method: clinical testing. Allele origin: germline.

Baylor Genetics
Classification: Pathogenic for Maple syrup urine disease type 1A. Last evaluated: 2024-02-26. Review status: criteria provided, single submitter. Criteria: ACMG Guidelines, 2015. Collection method: clinical testing. Allele origin: unknown.

3billion
Classification: Likely pathogenic for Maple syrup urine disease type 1A. Last evaluated: 2023-09-04. Review status: criteria provided, single submitter. Criteria: ACMG Guidelines, 2015. Collection method: clinical testing. Allele origin: germline. Affected: yes.
Comment: The variant is observed at an extremely low frequency in the gnomAD v2.1.1 dataset (total allele frequency: 0.007%). Predicted Consequence/Location: Missense variant Functional studies provide supporting evidence of the variant having a damaging effect on the gene or gene product (PMID: 10745006). In silico tool predictions suggest damaging effect of the variant on gene or gene product [REVEL: 0.96 (>=0.6, sensitivity 0.68 and specificity 0.92); 3Cnet: 0.99 (>=0.6, sensitivity 0.72 and precision 0.9)]. Same nucleotide change resulting in same amino acid change (PMID: 10745006) anda different missense change at the same codon (p.Arg297Cys / PMID: 16786533) have been previously reported to be associated with BCKDHA related disorder (PMID: 10745006).The variant has been reported to be in trans with a pathogenic variant as either compound heterozygous or homozygous in at least one similarly affected unrelated individual (PMID: 17922217). Therefore, this variant is classified as Likely pathogenic according to the recommendation of ACMG/AMP guideline.

Revvity Omics, Revvity
Classification: Likely pathogenic for Maple syrup urine disease type 1A. Last evaluated: 2023-06-16. Review status: criteria provided, single submitter. Criteria: ACMG Guidelines, 2015. Collection method: clinical testing. Allele origin: germline.

Genome-Nilou Lab
Classification: Uncertain significance for Maple syrup urine disease type 1A. Last evaluated: 2021-11-07. Review status: flagged submission. Criteria: ACMG Guidelines, 2015. Collection method: clinical testing. Allele origin: germline. Affected: no. Not counted in ClinVar's aggregate classification.
ClinVar note: Reason: Outlier claim with insufficient supporting evidence

Counsyl
Classification: Uncertain significance for Maple syrup urine disease type 1A. Last evaluated: 2017-01-03. Review status: flagged submission. Collection method: clinical testing. Allele origin: unknown. Not counted in ClinVar's aggregate classification.
ClinVar note: Reason: Outlier claim with insufficient supporting evidence

Eurofins Ntd Llc (ga)
Classification: Uncertain significance. Last evaluated: 2013-09-06. Review status: flagged submission. Criteria: EGL Classification Definitions 2015. Collection method: clinical testing. Allele origin: germline. Observed: 1 variant allele, 1 heterozygote. Not counted in ClinVar's aggregate classification.
ClinVar note: Reason: Older and outlier claim with insufficient supporting evidence

Literature cited by the submitters: PubMed 39519275 (cited by Natera, Inc.); PubMed 29306928 (cited by 3 submitters); PubMed 31980395 (cited by Natera, Inc.); PubMed 10745006 (cited by 4 submitters); PubMed 17922217 (cited by 4 submitters); PubMed 16786533 (cited by 3 submitters); PubMed 28830848 (cited by Labcorp Genetics (formerly Invitae), Labcorp and Illumina Laboratory Services, Illumina); PubMed 11448970 (cited by Counsyl).

NM_000709.4(BCKDHA):c.890G>A (p.Arg297His)

Gene: BCKDHA (branched chain keto acid dehydrogenase E1 subunit alpha; plus strand). Cytogenetic location: 19q13.2.
Variant type: single nucleotide variant.
Coding change: c.890G>A on transcript NM_000709.4 (MANE Select); coding-DNA position 890, G replaced by A.
Protein change: p.Arg297His; replaces arginine 297 with histidine.
Molecular consequence: missense variant.
Genome position (GRCh38, 1-based): chr19:41,422,665, G>A. VCF-style: chr19-41422665-G-A. GRCh37 (hg19) VCF-style: chr19-41928570-G-A.
Other names: c.887G>A, p.Arg296His (NM_001164783.2); short protein forms R297H, R296H.
Identifiers: ClinVar variation 93376 (VCV000093376.22), dbSNP rs200137189, ClinGen allele CA221222.